The following is an entry in ClinVar:

NM_000256.3(MYBPC3):c.2738-15C>T

Gene: MYBPC3 (myosin binding protein C3; minus strand). Cytogenetic location: 11p11.2.
Variant type: single nucleotide variant.
Coding change: c.2738-15C>T on transcript NM_000256.3 (MANE Select); 15 bases into the intron before coding-DNA position 2738, C replaced by T.
Molecular consequence: intron variant.
Genome position (GRCh38, 1-based): chr11:47,335,224, G>A on the plus strand (C>T on the coding strand, the complement: MYBPC3 is on the minus strand). VCF-style: chr11-47335224-G-A. GRCh37 (hg19) VCF-style: chr11-47356775-G-A.
Identifiers: ClinVar variation 3069394 (VCV003069394.1), dbSNP rs2495744785, ClinGen allele CA2825002005.
Genomic context (GRCh38, chr11:47,335,224, plus strand): 5'-GATGTGTGCTCTGTCAGCCCCTGCAGGGCAGCCACCCACTCTGAGCCTGGGGGTGGGGAG[G>A]GGGAGGCAAGGCCACAGGCTGTGTCACCACTGACACCCCACTCCCACTGCCCACTCCTCT-3'

ClinVar aggregate classification (germline): Likely benign (1 of 4 stars; one submission).

Conditions:
Hypertrophic cardiomyopathy. Also called: HYPERTROPHIC MYOCARDIOPATHY. Identifiers: Orphanet 217569, MedGen C0007194, MeSH D002312, MONDO:0005045, HP:0001639.

Submission:

All of Us Research Program, National Institutes of Health
Classification: Likely benign for Hypertrophic cardiomyopathy. Last evaluated: 2023-02-15. Review status: criteria provided, single submitter. Criteria: ACMG Guidelines, 2015. Collection method: clinical testing. Allele origin: germline. Inheritance: Autosomal dominant inheritance. Observed: 1 variant allele, 1 heterozygote.
Comment: This study involves interpretation of variants in research participants for the purpose of population health screening. Participant phenotype was not available at the time of variant classification. Additional details can be found in publication PMID: 35346344, PMCID: PMC8962531